The following is an entry in ClinVar:

NM_152564.5(VPS13B):c.8973T>A (p.Ile2991=)

Gene: VPS13B (vacuolar protein sorting 13 homolog B; plus strand). Cytogenetic location: 8q22.2.
Variant type: single nucleotide variant.
Coding change: c.8973T>A on transcript NM_152564.5 (MANE Select); coding-DNA position 8973, T replaced by A.
Protein change: p.Ile2991=; no amino-acid change (isoleucine 2991 retained).
Molecular consequence: synonymous variant.
Genome position (GRCh38, 1-based): chr8:99,820,101, T>A. VCF-style: chr8-99820101-T-A. GRCh37 (hg19) VCF-style: chr8-100832329-T-A.
Other names: c.9048T>A, p.Ile3016= (NM_017890.5); c.8973T>A (NM_152564.4).
Identifiers: ClinVar variation 1128840 (VCV001128840.10), dbSNP rs1022439402, ClinGen allele CA182329245.

ClinVar aggregate classification (germline): Likely benign. Review status: criteria provided, single submitter (1 of 4 stars). 2 submissions from 2 submitters: Likely benign (1). 1 of the submissions does not count toward it. Last evaluated 2025-11-08.

Conditions:
VPS13B-related disorder. Also called: VPS13B-related condition.
Cohen syndrome (COH1). Also called: Cutis verticis gyrata, retinitis pigmentosa, and sensorineural deafness; PEPPER SYNDROME. Identifiers: Orphanet 193, MedGen C0265223, MONDO:0008999, OMIM 216550.

Allele frequency attached by ClinVar (database versions not stated): gnomAD exomes below 0.00001 and 0.00001; TOPMed below 0.00001.
gnomAD v4.1: 2 of 1,613,884 alleles (0.00012%); highest among the groups gnomAD compares: Admixed American, 0.0033%; no homozygotes.

Submissions (2):

Labcorp Genetics (formerly Invitae), Labcorp
Classification: Likely benign for Cohen syndrome. Last evaluated: 2025-11-08. Review status: criteria provided, single submitter. Criteria: Invitae Variant Classification Sherloc (09022015). Collection method: clinical testing. Allele origin: germline.

PreventionGenetics, part of Exact Sciences
Classification: Likely benign for VPS13B-related condition. Last evaluated: 2021-06-15. Review status: no assertion criteria provided. Collection method: clinical testing. Allele origin: germline. Not counted in ClinVar's aggregate classification.
Comment: This variant is classified as likely benign based on ACMG/AMP sequence variant interpretation guidelines (Richards et al. 2015 PMID: 25741868, with internal and published modifications).